The following is an entry in ClinVar:

NM_001161352.2(KCNMA1):c.1783G>A (p.Glu595Lys)

Gene: KCNMA1 (potassium calcium-activated channel subfamily M alpha 1; minus strand). Cytogenetic location: 10q22.3.
Variant type: single nucleotide variant.
Coding change: c.1783G>A on transcript NM_001161352.2 (MANE Select); coding-DNA position 1783, G replaced by A.
Protein change: p.Glu595Lys; replaces glutamic acid 595 with lysine.
Molecular consequence: missense variant.
Genome position (GRCh38, 1-based): chr10:77,039,604, C>T on the plus strand (G>A on the coding strand, the complement: KCNMA1 is on the minus strand). VCF-style: chr10-77039604-C-T. GRCh37 (hg19) VCF-style: chr10-78799362-C-T.
Other names: c.1783G>A, p.Glu595Lys (NM_001014797.3, NM_001161353.2, NM_001271519.2 and 7 more transcripts); c.1621G>A, p.Glu541Lys (NM_001271518.2); c.1243G>A, p.Glu415Lys (NM_001322838.2); short protein forms E415K, E541K, E595K.
Identifiers: ClinVar variation 931315 (VCV000931315.3), dbSNP rs2094532399, ClinGen allele CA377410157.
Genomic context (GRCh38, chr10:77,039,604, plus strand): 5'-AGGACAGACCCACGAAGGCACTGGAGAGATATTCTGTGTACATTTCATTTGAGACTCCTT[C>T]CAAGTAGTATTTCTGCCATGTGTCTTCCTCAATCTAAAGGAAAGGAACACATGCGGAGAG-3'
Protein context (NP_001154824.1, residues 585-605): EEDTWQKYYL[Glu595Lys]GVSNEMYTEY

ClinVar aggregate classification (germline): Uncertain significance (1 of 4 stars; one submission).

Conditions:
Generalized epilepsy-paroxysmal dyskinesia syndrome (PNKD3). Also called: Generalized epilepsy and paroxysmal dyskinesia; Paroxysmal nonkinesigenic dyskinesia, 3, with or without generalized epilepsy. Identifiers: Orphanet 79137, MedGen C5574945, MONDO:0012276, OMIM 609446.

Submission:

Centre for Mendelian Genomics, University Medical Centre Ljubljana
Classification: Uncertain significance for Generalized epilepsy-paroxysmal dyskinesia syndrome. Last evaluated: 2020-01-30. Review status: criteria provided, single submitter. Criteria: ACMG Guidelines, 2015. Collection method: clinical testing. Allele origin: unknown. Affected: yes.
Comment: This variant was classified as: Uncertain significance. The available evidence on this variant's pathogenicity is insufficient or conflicting. The following ACMG criteria were applied in classifying this variant: PM2,PP3.